The following is an entry in ClinVar:

ClinVar aggregate classification (germline): Likely pathogenic. Review status: criteria provided, multiple submitters, no conflicts (2 of 4 stars). 2 submissions from 2 submitters: Likely pathogenic (2). Last evaluated 2025-03-07.

Conditions:
Inborn genetic diseases. Identifiers: MedGen C0950123, MeSH D030342.
Polycystic kidney disease, adult type (PKD1). Also called: POLYCYSTIC KIDNEY DISEASE 1 WITH OR WITHOUT POLYCYSTIC LIVER DISEASE; POLYCYSTIC KIDNEY DISEASE, ADULT, TYPE I; Polycystic Kidney Disease 1, Autosomal Dominant; Polycystic kidney disease 1; Polycystic kidney disease 1, severe; Polycystic Kidney, Autosomal Dominant. Identifiers: MedGen C3149841, MONDO:0008263, OMIM 173900.

Submissions (2):

Ambry Genetics
Classification: Likely pathogenic for Inborn genetic diseases. Last evaluated: 2025-03-07. Review status: criteria provided, single submitter. Criteria: Ambry Variant Classification Scheme 2023. Collection method: clinical testing. Allele origin: germline.
Comment: The c.7210-2A>C intronic variant results from an A to C substitution two nucleotides before coding exon 18 of the PKD1 gene. Alterations that disrupt the canonical splice site are expected to cause aberrant splicing, resulting in an abnormal protein or a transcript that is subject to nonsense-mediated mRNA decay. This variant was not reported in population-based cohorts in the Genome Aggregation Database (gnomAD). Other variant(s) impacting the same acceptor site (c.7210-2A>G and c.7210-1G>A) have been identified in individual(s) with features consistent with PKD1-related polycystic kidney disease (Hoefele, 2011; Liu, 2015). This nucleotide position is highly conserved in available vertebrate species. In silico splice site analysis predicts that this alteration will weaken the native splice acceptor site and will result in the creation or strengthening of a novel splice acceptor site. Based on the available evidence, this alteration is classified as likely pathogenic.

Victorian Clinical Genetics Services, Murdoch Childrens Research Institute
Classification: Likely pathogenic for Polycystic kidney disease, adult type. Last evaluated: 2025-01-15. Review status: criteria provided, single submitter. Criteria: ACMG Guidelines, 2015. Collection method: clinical testing. Allele origin: germline. Affected: yes.
Comment: This variant is classified as Likely pathogenic. Evidence in support of pathogenic classification: Canonical splice site variant without proven consequence on splicing (no functional evidence available); Variant is absent from gnomAD (v2, v3 and v4); Other splice variant(s) comparable to the one identified in this case have strong previous evidence for pathogenicity. c.7210-1G>A, c.7210-2A>G and c.7210-5C>G have been reported in the literature in individuals with ADPKD (PMID: 26274329, 21115670, 22008521); Abnormal splicing is predicted by in silico tool and affected nucleotide is highly conserved. Additional information: This variant is heterozygous; This gene is associated with autosomal dominant disease. Polycystic kidney disease 1 (MIM#173900) is predominantly caused by monoallelic variants, with rare reports of biallelic variants causing disease (OMIM); This variant has no previous evidence of pathogenicity; No published segregation evidence has been identified for this variant; No published functional evidence has been identified for this variant; Loss of function is a known mechanism of disease in this gene and is associated with polycystic kidney disease 1 (MIM#173900); Inheritance information for this variant is not currently available in this individual.

Literature cited by the submitters: PubMed 21115670 (cited by Ambry Genetics and Victorian Clinical Genetics Services, Murdoch Childrens Research Institute); PubMed 26274329 (cited by Ambry Genetics and Victorian Clinical Genetics Services, Murdoch Childrens Research Institute); PubMed 22008521 (cited by Victorian Clinical Genetics Services, Murdoch Childrens Research Institute).

NM_001009944.3(PKD1):c.7210-2A>C

Genes: MIR6511B1 (microRNA 6511b-1; minus strand), PKD1 (polycystin 1, transient receptor potential channel interacting; minus strand). Cytogenetic location: 16p13.3.
Variant type: single nucleotide variant.
Coding change: c.7210-2A>C on transcript NM_001009944.3 (MANE Select); the canonical splice acceptor site of the intron before coding-DNA position 7210, A replaced by C.
Molecular consequence: splice acceptor variant. On other transcripts: non-coding transcript variant (1).
Genome position (GRCh38, 1-based): chr16:2,106,679, T>G on the plus strand (A>C on the coding strand, the complement: PKD1 is on the minus strand). VCF-style: chr16-2106679-T-G. GRCh37 (hg19) VCF-style: chr16-2156680-T-G.
Other names: c.7210-2A>C (NM_000296.4).
Identifiers: ClinVar variation 3889279 (VCV003889279.3).